The following is an entry in ClinVar:

NM_002769.5(PRSS1):c.479G>A (p.Cys160Tyr)

Genes: TRB (T cell receptor beta locus; plus strand), PRSS1 (serine protease 1; plus strand). Cytogenetic location: 7q34.
Variant type: single nucleotide variant.
Coding change: c.479G>A on transcript NM_002769.5 (MANE Select); coding-DNA position 479, G replaced by A.
Protein change: p.Cys160Tyr; replaces cysteine 160 with tyrosine.
Molecular consequence: missense variant.
Genome position (GRCh38, 1-based): chr7:142,752,455, G>A. VCF-style: chr7-142752455-G-A. GRCh37 (hg19) VCF-style: chr7-142460306-G-A.
Other names: short protein forms C160Y.
Identifiers: ClinVar variation 1010837 (VCV001010837.12), dbSNP rs778796800, ClinGen allele CA4530026.
Genomic context (GRCh38, chr7:142,752,455, plus strand): 5'-TTTCTACTTCCTTTGATCTCTTCCTGATCCTCACAGCCGACTACCCAGACGAGCTGCAGT[G>A]CCTGGATGCTCCTGTGCTGAGCCAGGCTAAGTGTGAAGCCTCCTACCCTGGAAAGATTAC-3'
Protein context (NP_002760.1, residues 150-170): SGADYPDELQ[Cys160Tyr]LDAPVLSQAK

ClinVar aggregate classification (germline): Uncertain significance. Review status: criteria provided, multiple submitters, no conflicts (2 of 4 stars). 2 submissions from 2 submitters: Uncertain significance (2). Last evaluated 2025-08-02.

Conditions:
Hereditary pancreatitis (PCTT). Also called: PRSS1-Related Hereditary Pancreatitis; Hereditary chronic pancreatitis. Identifiers: Orphanet 676, MedGen C0238339, MONDO:0008185, OMIM 167800.

Allele frequency attached by ClinVar (database versions not stated): gnomAD exomes below 0.00001 and 0.00001; gnomAD 0.00001.
gnomAD v4.1: 4 of 1,614,030 alleles (0.00025%); highest among the groups gnomAD compares: East Asian, 0.0022%; no homozygotes.

Submissions (2):

Ambry Genetics
Classification: Uncertain significance for Hereditary pancreatitis. Last evaluated: 2025-08-02. Review status: criteria provided, single submitter. Criteria: Ambry Variant Classification Scheme 2023. Collection method: clinical testing. Allele origin: germline.
Comment: The p.C160Y variant (also known as c.479G>A), located in coding exon 4 of the PRSS1 gene, results from a G to A substitution at nucleotide position 479. The cysteine at codon 160 is replaced by tyrosine, an amino acid with highly dissimilar properties. This amino acid position is conserved. In addition, this alteration is predicted to be deleterious by in silico analysis. Since supporting evidence is limited at this time, the clinical significance of this alteration remains unclear.

Labcorp Genetics (formerly Invitae), Labcorp
Classification: Uncertain significance for Hereditary pancreatitis. Last evaluated: 2021-01-14. Review status: criteria provided, single submitter. Criteria: Invitae Variant Classification Sherloc (09022015). Collection method: clinical testing. Allele origin: germline.
Comment: This sequence change replaces cysteine with tyrosine at codon 160 of the PRSS1 protein (p.Cys160Tyr). The cysteine residue is highly conserved and there is a large physicochemical difference between cysteine and tyrosine. The frequency data for this variant in the population databases is considered unreliable, as metrics indicate poor data quality at this position in the ExAC database. This variant has not been reported in the literature in individuals with PRSS1-related conditions. Algorithms developed to predict the effect of missense changes on protein structure and function (SIFT, PolyPhen-2, Align-GVGD) all suggest that this variant is likely to be disruptive, but these predictions have not been confirmed by published functional studies and their clinical significance is uncertain. In summary, the available evidence is currently insufficient to determine the role of this variant in disease. Therefore, it has been classified as a Variant of Uncertain Significance.